The following is an entry in ClinVar:

NM_001267550.2(TTN):c.48167del (p.Pro16056fs)

Genes: TTN-AS1 (TTN antisense RNA 1; plus strand), TTN (titin; minus strand). Cytogenetic location: 2q31.2.
Variant type: Deletion.
Coding change: c.48167del on transcript NM_001267550.2 (MANE Select); coding-DNA position 48167, one base deleted (C; older notation c.48167delC).
Protein change: p.Pro16056fs; shifts the reading frame from proline 16056.
Molecular consequence: frameshift variant.
Genome position (GRCh38, 1-based): chr2:178,616,624, G deleted on the plus strand (C on the coding strand, the reverse complement: TTN is on the minus strand); the first of 3 consecutive G bases (chr2:178,616,624-178,616,626); deleting any one gives the same sequence. VCF-style (leftmost placement, unchanged base first): chr2-178616623-TG-T. GRCh37 (hg19) VCF-style: chr2-179481350-TG-T.
Other names: c.43244del, p.Pro14415fs (NM_001256850.1); c.20972del, p.Pro6991fs (NM_003319.4); c.40463del, p.Pro13488fs (NM_133378.4); c.21347del, p.Pro7116fs (NM_133432.3); c.21548del, p.Pro7183fs (NM_133437.4); c.48167del (NM_001267550.1); short protein forms P13488fs, P14415fs, P16056fs, P6991fs, P7116fs, P7183fs.
Identifiers: ClinVar variation 1068220 (VCV001068220.9), dbSNP rs1443466576, ClinGen allele CA538436288.

ClinVar aggregate classification (germline): Likely pathogenic. Review status: criteria provided, multiple submitters, no conflicts (2 of 4 stars). 2 submissions from 2 submitters: Likely pathogenic (2). Last evaluated 2022-10-04.

Conditions:
Dilated cardiomyopathy 1G (CMD1G). Identifiers: Orphanet 154, MedGen C1858763, MONDO:0011400, OMIM 604145.
Autosomal recessive limb-girdle muscular dystrophy type 2J (LGMDR10). Also called: Limb-girdle muscular dystrophy, type 2J; MUSCULAR DYSTROPHY, LIMB-GIRDLE, AUTOSOMAL RECESSIVE 10. Identifiers: Orphanet 140922, MedGen C1837342, MONDO:0012127, OMIM 608807.

Submissions (2):

GeneDx
Classification: Likely pathogenic. Last evaluated: 2022-10-04. Review status: criteria provided, single submitter. Criteria: GeneDx Variant Classification Process June 2021. Collection method: clinical testing. Allele origin: germline. Affected: yes.
Comment: Reported in an individual with early-onset atrial fibrillation (Choi et al., 2018); Frameshift variant predicted to result in protein truncation or nonsense mediated decay in a gene for which loss of function is a known mechanism of disease; Located in the A-band region of TTN in which the majority of loss of function variants have been associated with autosomal dominant titinopathies (Herman et al., 2012); Not observed at significant frequency in large population cohorts (gnomAD); This variant is associated with the following publications: (PMID: 22335739, 30535219)

Labcorp Genetics (formerly Invitae), Labcorp
Classification: Likely pathogenic for Dilated cardiomyopathy 1G; Autosomal recessive limb-girdle muscular dystrophy type 2J. Last evaluated: 2020-04-24. Review status: criteria provided, single submitter. Criteria: Invitae Variant Classification Sherloc (09022015). Collection method: clinical testing. Allele origin: germline.
Comment: This sequence change results in a premature translational stop signal in the TTN gene (p.Pro16056Glnfs*7). While this is not anticipated to result in nonsense mediated decay, it is expected to create a truncated TTN protein. This variant is not present in population databases (ExAC no frequency). This variant has been observed in individual(s) with atrial fibrillation (PMID: 30535219). This variant is located in the A band of TTN (PMID: 25589632). Truncating variants in this region are significantly overrepresented in patients affected with dilated cardiomyopathy (PMID: 25589632). Truncating variants in this region have also been reported in individuals affected with autosomal recessive centronuclear myopathy (PMID: 23975875). In summary, the currently available evidence indicates that the variant is pathogenic, but additional data are needed to prove that conclusively. Therefore, this variant has been classified as Likely Pathogenic.

Literature cited by the submitters: PubMed 30535219 (cited by Labcorp Genetics (formerly Invitae), Labcorp); PubMed 25589632 (cited by Labcorp Genetics (formerly Invitae), Labcorp); PubMed 23975875 (cited by Labcorp Genetics (formerly Invitae), Labcorp).